The following is an entry in ClinVar:

ClinVar aggregate classification (germline): Uncertain significance (1 of 4 stars; one submission).

Allele frequency attached by ClinVar (database versions not stated): gnomAD exomes below 0.00001.

Submission:

Labcorp Genetics (formerly Invitae), Labcorp
Classification: Uncertain significance. Last evaluated: 2024-10-25. Review status: criteria provided, single submitter. Criteria: Invitae Variant Classification Sherloc (09022015). Collection method: clinical testing. Allele origin: germline.
Comment: This sequence change replaces glutamine, which is neutral and polar, with glutamic acid, which is acidic and polar, at codon 449 of the DHX38 protein (p.Gln449Glu). This variant is not present in population databases (gnomAD no frequency). This variant has not been reported in the literature in individuals affected with DHX38-related conditions. ClinVar contains an entry for this variant (Variation ID: 2035204). Invitae Evidence Modeling of protein sequence and biophysical properties (such as structural, functional, and spatial information, amino acid conservation, physicochemical variation, residue mobility, and thermodynamic stability) indicates that this missense variant is not expected to disrupt DHX38 protein function with a negative predictive value of 80%. In summary, the available evidence is currently insufficient to determine the role of this variant in disease. Therefore, it has been classified as a Variant of Uncertain Significance.

NM_014003.4(DHX38):c.1345C>G (p.Gln449Glu)

Gene: DHX38 (DEAH-box helicase 38; plus strand). Cytogenetic location: 16q22.2.
Variant type: single nucleotide variant.
Coding change: c.1345C>G on transcript NM_014003.4 (MANE Select); coding-DNA position 1345, C replaced by G.
Protein change: p.Gln449Glu; replaces glutamine 449 with glutamic acid.
Molecular consequence: missense variant.
Genome position (GRCh38, 1-based): chr16:72,101,152, C>G. VCF-style: chr16-72101152-C-G. GRCh37 (hg19) VCF-style: chr16-72135051-C-G.
Other names: short protein forms Q449E.
Identifiers: ClinVar variation 2035204 (VCV002035204.4), dbSNP rs2507096079, ClinGen allele CA396706113.
Genomic context (GRCh38, chr16:72,101,152, plus strand): 5'-CCGGTGATTCCAGTGAAGGATGCTACTTCTGACCTGGCCATCATTGCTCGGAAAGGCAGC[C>G]AGACAGTGCGGAAGCACAGGGAGCAGAAGGAGCGCAAGAAGGTTGGTTTCTTGGTTTCGT-3'
Protein context (NP_054722.2, residues 439-459): DLAIIARKGS[Gln449Glu]TVRKHREQKE